The following is an entry in ClinVar:

ClinVar aggregate classification (germline): Uncertain significance (1 of 4 stars; one submission).

Conditions:
Niemann-Pick disease, type C1. Also called: NIEMANN-PICK DISEASE, VARIANT TYPE C1; NEUROVISCERAL STORAGE DISEASE WITH VERTICAL SUPRANUCLEAR OPHTHALMOPLEGIA; NIEMANN-PICK DISEASE WITH CHOLESTEROL ESTERIFICATION BLOCK; NIEMANN-PICK DISEASE WITHOUT SPHINGOMYELINASE DEFICIENCY; NIEMANN-PICK DISEASE, CHRONIC NEURONOPATHIC FORM. Identifiers: Orphanet 646, MedGen C3179455, MONDO:0009757, OMIM 257220.

Submission:

Labcorp Genetics (formerly Invitae), Labcorp
Classification: Uncertain significance for Niemann-Pick disease, type C1. Last evaluated: 2022-02-04. Review status: criteria provided, single submitter. Criteria: Invitae Variant Classification Sherloc (09022015). Collection method: clinical testing. Allele origin: germline.
Comment: In summary, the available evidence is currently insufficient to determine the role of this variant in disease. Therefore, it has been classified as a Variant of Uncertain Significance. Advanced modeling of protein sequence and biophysical properties (such as structural, functional, and spatial information, amino acid conservation, physicochemical variation, residue mobility, and thermodynamic stability) performed at Invitae indicates that this missense variant is expected to disrupt NPC1 protein function. This variant has not been reported in the literature in individuals affected with NPC1-related conditions. This variant is not present in population databases (gnomAD no frequency). This sequence change replaces aspartic acid, which is acidic and polar, with tyrosine, which is neutral and polar, at codon 445 of the NPC1 protein (p.Asp445Tyr).

NM_000271.5(NPC1):c.1333G>T (p.Asp445Tyr)

Gene: NPC1 (NPC intracellular cholesterol transporter 1; minus strand). Cytogenetic location: 18q11.2.
Variant type: single nucleotide variant.
Coding change: c.1333G>T on transcript NM_000271.5 (MANE Select); coding-DNA position 1333, G replaced by T.
Protein change: p.Asp445Tyr; replaces aspartic acid 445 with tyrosine.
Molecular consequence: missense variant.
Genome position (GRCh38, 1-based): chr18:23,554,978, C>A on the plus strand (G>T on the coding strand, the complement: NPC1 is on the minus strand). VCF-style: chr18-23554978-C-A. GRCh37 (hg19) VCF-style: chr18-21134942-C-A.
Other names: short protein forms D445Y.
Identifiers: ClinVar variation 1410225 (VCV001410225.8), dbSNP rs2145448490, ClinGen allele CA401776778.